The following is an entry in ClinVar:

NM_001366145.2(TRPM3):c.3658G>A (p.Asp1220Asn)

Genes: KLF9-DT (KLF9 divergent transcript; plus strand), TRPM3 (transient receptor potential cation channel subfamily M member 3; minus strand). Cytogenetic location: 9q21.12.
Variant type: single nucleotide variant.
Coding change: c.3658G>A on transcript NM_001366145.2 (MANE Select); coding-DNA position 3658, G replaced by A.
Protein change: p.Asp1220Asn; replaces aspartic acid 1220 with asparagine.
Molecular consequence: missense variant.
Genome position (GRCh38, 1-based): chr9:70,549,591, C>T on the plus strand (G>A on the coding strand, the complement: TRPM3 is on the minus strand). VCF-style: chr9-70549591-C-T. GRCh37 (hg19) VCF-style: chr9-73164507-C-T.
Other names: c.3622G>A, p.Asp1208Asn (NM_001007471.4, NM_001366151.2); c.3628G>A, p.Asp1210Asn (NM_001366141.2, NM_001366143.2, NM_001366149.2); c.3664G>A, p.Asp1222Asn (NM_001366142.2); c.3658G>A, p.Asp1220Asn (NM_001366146.2); c.3733G>A, p.Asp1245Asn (NM_001366147.2, NM_001366152.2); c.3703G>A, p.Asp1235Asn (NM_001366148.2); c.3592G>A, p.Asp1198Asn (NM_001366150.2); c.3199G>A, p.Asp1067Asn (NM_001366154.2, NM_024971.7); and 5 more; short protein forms D1045N, D1055N, D1057N, D1067N, D1070N, D1080N, D1198N, D1208N.
Identifiers: ClinVar variation 3362273 (VCV003362273.4).
Genomic context (GRCh38, chr9:70,549,591, plus strand): 5'-ACAGAACACACCTTTCTGAAGTCACCCGTATCCTCTCATCATTAGATGAGTTGAACCGAT[C>T]ATCCTTTTCTCTGAAGTATTCTTCTATGCATTGCTCTTCAAAGTCATGTACTTTCTTGAG-3'
Protein context (NP_001353074.1, residues 1210-1230): CIEEYFREKD[Asp1220Asn]RFNSSNDERI

ClinVar aggregate classification (germline): Uncertain significance (1 of 4 stars; one submission).

Conditions:
Neurodevelopmental disorder with hypotonia, dysmorphic facies, and skeletal anomalies, with or without seizures (NEDFSS). Also called: TRPM3-Related Neurodevelopmental Disorder. Identifiers: MedGen C5830244, MONDO:0859365, OMIM 620224.

Submission:

Neuberg Centre For Genomic Medicine, NCGM
Classification: Uncertain significance for Neurodevelopmental disorder with hypotonia, dysmorphic facies, and skeletal anomalies, with or without seizures. Last evaluated: 2023-06-02. Review status: criteria provided, single submitter. Criteria: ACMG Guidelines, 2015. Collection method: clinical testing. Allele origin: germline. Inheritance: Autosomal dominant inheritance. Affected: yes.
Comment: The observed missense variant c.3658G>A(p.Asp1220Asn) in the TRPM3 gene has not been reported previously as a pathogenic variant nor as a benign variant, to our knowledge. This variant absent in the gnomAD Exomes. The amino acid Aspartic acid at position 1220 is changed to a Asparagine changing protein sequence and it might alter its composition and physico-chemical properties. Multiple lines of computational evidence (SIFT - Damaging and MutationTaster - Disease causing) predict a damaging effect on protein structure and function for this variant. The residue is conserved by GERP++ and PhyloP across 100 vertebrates. For these reasons, this variant has been classified as Uncertain Significance.